The following is an entry in ClinVar:

NM_006415.4(SPTLC1):c.1163A>T (p.Glu388Val)

Gene: SPTLC1 (serine palmitoyltransferase long chain base subunit 1; minus strand). Cytogenetic location: 9q22.31.
Variant type: single nucleotide variant.
Coding change: c.1163A>T on transcript NM_006415.4 (MANE Select); coding-DNA position 1163, A replaced by T.
Protein change: p.Glu388Val; replaces glutamic acid 388 with valine.
Molecular consequence: missense variant.
Genome position (GRCh38, 1-based): chr9:92,038,339, T>A on the plus strand (A>T on the coding strand, the complement: SPTLC1 is on the minus strand). VCF-style: chr9-92038339-T-A. GRCh37 (hg19) VCF-style: chr9-94800621-T-A.
Other names: c.1163A>T, p.Glu388Val (NM_001281303.2); c.797A>T, p.Glu266Val (NM_001368272.1); c.698A>T, p.Glu233Val (NM_001368273.1); short protein forms E388V, E233V, E266V.
Identifiers: ClinVar variation 2872626 (VCV002872626.4), dbSNP rs1833217101, ClinGen allele CA373790830.

ClinVar aggregate classification (germline): Uncertain significance. Review status: criteria provided, multiple submitters, no conflicts (2 of 4 stars). 2 submissions from 2 submitters: Uncertain significance (2). Last evaluated 2026-09-09.

Conditions:
Hereditary sensory and autonomic neuropathy type 1 (HSAN1). Also called: HSAN 1; HSN Type I; Hereditary Sensory Neuropathy Type I. Identifiers: Orphanet 36386, MedGen C0020071, MONDO:0018213.
Inborn genetic diseases. Identifiers: MedGen C0950123, MeSH D030342.

Allele frequency attached by ClinVar (database versions not stated): gnomAD exomes below 0.00001; TOPMed below 0.00001; gnomAD 0.00001.
gnomAD v4.1: 2 of 1,613,348 alleles (0.00012%); highest among the groups gnomAD compares: African/African-American, 0.0013%; no homozygotes.

Submissions (2):

Ambry Genetics
Classification: Uncertain significance for Inborn genetic diseases. Last evaluated: 2026-09-09. Review status: criteria provided, single submitter. Criteria: Ambry Variant Classification Scheme 2023. Collection method: clinical testing. Allele origin: germline.

Labcorp Genetics (formerly Invitae), Labcorp
Classification: Uncertain significance for Hereditary sensory and autonomic neuropathy type 1. Last evaluated: 2024-11-18. Review status: criteria provided, single submitter. Criteria: Invitae Variant Classification Sherloc (09022015). Collection method: clinical testing. Allele origin: germline.
Comment: This sequence change replaces glutamic acid, which is acidic and polar, with valine, which is neutral and non-polar, at codon 388 of the SPTLC1 protein (p.Glu388Val). This variant is not present in population databases (gnomAD no frequency). This variant has not been reported in the literature in individuals affected with SPTLC1-related conditions. ClinVar contains an entry for this variant (Variation ID: 2872626). Invitae Evidence Modeling of protein sequence and biophysical properties (such as structural, functional, and spatial information, amino acid conservation, physicochemical variation, residue mobility, and thermodynamic stability) indicates that this missense variant is not expected to disrupt SPTLC1 protein function with a negative predictive value of 80%. Algorithms developed to predict the effect of sequence changes on RNA splicing suggest that this variant may create or strengthen a splice site. In summary, the available evidence is currently insufficient to determine the role of this variant in disease. Therefore, it has been classified as a Variant of Uncertain Significance.